The following is an entry in ClinVar:

NM_031433.4(MFRP):c.1061G>A (p.Cys354Tyr)

Genes: C1QTNF5 (C1q and TNF related 5; minus strand), MFRP (membrane frizzled-related protein; minus strand). Cytogenetic location: 11q23.3.
Variant type: single nucleotide variant.
Coding change: c.1061G>A on transcript NM_031433.4 (MANE Select); coding-DNA position 1061, G replaced by A.
Protein change: p.Cys354Tyr; replaces cysteine 354 with tyrosine.
Molecular consequence: missense variant. On other transcripts: 5 prime UTR variant (1).
Genome position (GRCh38, 1-based): chr11:119,343,879, C>T on the plus strand (G>A on the coding strand, the complement: MFRP is on the minus strand). VCF-style: chr11-119343879-C-T. GRCh37 (hg19) VCF-style: chr11-119214589-C-T.
Other names: c.-1576G>A (NM_015645.5); short protein forms C354Y.
Identifiers: ClinVar variation 2101657 (VCV002101657.4), dbSNP rs999112328, ClinGen allele CA382975259.

ClinVar aggregate classification (germline): Uncertain significance (1 of 4 stars; one submission).

Conditions:
Isolated microphthalmia 5. Also called: Posterior Microphthalmia with Retinitis Pigmentosa, Foveoschisis, and Optic Disc Drusen. Identifiers: Orphanet 251279, MedGen C1970236, MONDO:0012605, OMIM 611040.

gnomAD v4.1: 3 of 1,613,980 alleles (0.00019%); highest among the groups gnomAD compares: African/African-American, 0.0027%; no homozygotes.

Submission:

Labcorp Genetics (formerly Invitae), Labcorp
Classification: Uncertain significance for Isolated microphthalmia 5. Last evaluated: 2022-02-22. Review status: criteria provided, single submitter. Criteria: Invitae Variant Classification Sherloc (09022015). Collection method: clinical testing. Allele origin: germline.
Comment: This sequence change replaces cysteine, which is neutral and slightly polar, with tyrosine, which is neutral and polar, at codon 354 of the MFRP protein (p.Cys354Tyr). This variant is not present in population databases (gnomAD no frequency). This variant has not been reported in the literature in individuals affected with MFRP-related conditions. Algorithms developed to predict the effect of missense changes on protein structure and function (SIFT, PolyPhen-2, Align-GVGD) all suggest that this variant is likely to be disruptive. In summary, the available evidence is currently insufficient to determine the role of this variant in disease. Therefore, it has been classified as a Variant of Uncertain Significance.